The following is an entry in ClinVar:

ClinVar aggregate classification (germline): Pathogenic. Review status: criteria provided, single submitter (1 of 4 stars). 2 submissions from 1 submitter: Pathogenic (2). Last evaluated 2025-04-23.

Conditions:
Hypertrophic cardiomyopathy 26. Also called: Cardiomyopathy, familial hypertrophic, 26. Identifiers: Orphanet 75249, MedGen C4310749, MONDO:0014883, OMIM 617047.
Dilated Cardiomyopathy, Dominant.
Myofibrillar myopathy 5. Also called: FILAMINOPATHY, AUTOSOMAL DOMINANT; Filaminopathy (type). Identifiers: Orphanet 171445, MedGen C1836050, MONDO:0012289, OMIM 609524.
Distal myopathy with posterior leg and anterior hand involvement. Also called: WILLIAMS DISTAL MYOPATHY. Identifiers: Orphanet 63273, MedGen C3279722, MONDO:0013550, OMIM 614065.

Submissions (2):

Labcorp Genetics (formerly Invitae), Labcorp
Classification: Pathogenic for Distal myopathy with posterior leg and anterior hand involvement; Myofibrillar myopathy 5; Hypertrophic cardiomyopathy 26. Last evaluated: 2025-04-23. Review status: criteria provided, single submitter. Criteria: Invitae Variant Classification Sherloc (09022015). Collection method: clinical testing. Allele origin: germline.
Comment: This sequence change creates a premature translational stop signal (p.Lys703*) in the FLNC gene. It is expected to result in an absent or disrupted protein product. Loss-of-function variants in FLNC are known to be pathogenic (PMID: 27908349). Information on the frequency of this variant in the gnomAD database is not available, as this variant may be reported differently in the database. This variant has not been reported in the literature in individuals affected with FLNC-related conditions. For these reasons, this variant has been classified as Pathogenic.

Labcorp Genetics (formerly Invitae), Labcorp
Classification: Pathogenic for Distal myopathy with posterior leg and anterior hand involvement; Myofibrillar myopathy 5; Hypertrophic cardiomyopathy 26. Last evaluated: 2024-12-17. Review status: criteria provided, single submitter. Criteria: Invitae Variant Classification Sherloc (09022015). Collection method: clinical testing. Allele origin: germline.
Comment: the same text as in the submission from Labcorp Genetics (formerly Invitae), Labcorp above.

Literature cited by the submitters: PubMed 27908349.

NM_001458.5(FLNC):c.2107_2119delinsT (p.Lys703_Gln707delinsTer)

Gene: FLNC (filamin C; plus strand). Cytogenetic location: 7q32.1.
Variant type: Indel.
Coding change: c.2107_2119delinsT on transcript NM_001458.5 (MANE Select); coding-DNA positions 2107 to 2119, AAGCTCTATGCCC replaced by T.
Protein change: p.Lys703_Gln707delinsTer.
Molecular consequence: nonsense.
Genome position (GRCh38, 1-based): chr7:128,841,553-128,841,565, AAGCTCTATGCCC replaced by T. VCF-style: chr7-128841553-AAGCTCTATGCCC-T. GRCh37 (hg19) VCF-style: chr7-128481607-AAGCTCTATGCCC-T.
Other names: c.2107_2119delinsT, p.Lys703_Gln707delinsTer (NM_001127487.2).
Identifiers: ClinVar variation 652108 (VCV000652108.6), dbSNP rs1585156701, ClinGen allele CA915945520.